The following is an entry in ClinVar:

ClinVar aggregate classification (germline): Uncertain significance (1 of 4 stars; one submission).

Conditions:
Gingival disorder. Also called: Gingival disease. Identifiers: MedGen C0017563, MONDO:0002021.

Submission:

Labcorp Genetics (formerly Invitae), Labcorp
Classification: Uncertain significance for Gingival disorder. Last evaluated: 2017-12-03. Review status: criteria provided, single submitter. Criteria: Invitae Variant Classification Sherloc (09022015). Collection method: clinical testing. Allele origin: germline.
Comment: This variant is not present in population databases (ExAC no frequency). This variant has not been reported in the literature in individuals with FPR1-related disease. Algorithms developed to predict the effect of missense changes on protein structure and function do not agree on the potential impact of this missense change (SIFT: "Tolerated"; PolyPhen-2: "Possibly Damaging"; Align-GVGD: "Class C0"). In summary, the available evidence is currently insufficient to determine the role of this variant in disease. Therefore, it has been classified as a Variant of Uncertain Significance. This sequence change replaces tyrosine with cysteine at codon 276 of the FPR1 protein (p.Tyr276Cys). The tyrosine residue is weakly conserved and there is a large physicochemical difference between tyrosine and cysteine.

NM_002029.4(FPR1):c.827A>G (p.Tyr276Cys)

Gene: FPR1 (formyl peptide receptor 1; minus strand). Cytogenetic location: 19q13.41.
Variant type: single nucleotide variant.
Coding change: c.827A>G on transcript NM_002029.4 (MANE Select); coding-DNA position 827, A replaced by G.
Protein change: p.Tyr276Cys; replaces tyrosine 276 with cysteine.
Molecular consequence: missense variant.
Genome position (GRCh38, 1-based): chr19:51,746,168, T>C on the plus strand (A>G on the coding strand, the complement: FPR1 is on the minus strand). VCF-style: chr19-51746168-T-C. GRCh37 (hg19) VCF-style: chr19-52249421-T-C.
Other names: c.827A>G, p.Tyr276Cys (NM_001193306.2); short protein forms Y276C.
Identifiers: ClinVar variation 526508 (VCV000526508.10), dbSNP rs1555796364, ClinGen allele CA407116329.
Genomic context (GRCh38, chr19:51,746,168, plus strand): 5'-AGGCAGCTGTTGAAGAAGGCCAGGGCACTTGTCACATCCACTGCAATACCAATTTCTTTG[T>C]ACATGCCTTGCAATAACTCACGGATTCTGACTGTGGCTATAAGGGCCACCACCTGATATG-3'
Protein context (NP_002020.1, residues 266-286): VRIRELLQGM[Tyr276Cys]KEIGIAVDVT